The following is an entry in ClinVar:

ClinVar aggregate classification (germline): Uncertain significance (1 of 4 stars; one submission).

Conditions:
Inborn genetic diseases. Identifiers: MedGen C0950123, MeSH D030342.

Submission:

Ambry Genetics
Classification: Uncertain significance for Inborn genetic diseases. Last evaluated: 2025-04-19. Review status: criteria provided, single submitter. Criteria: Ambry Variant Classification Scheme 2023. Collection method: clinical testing. Allele origin: germline.
Comment: The p.K1303R variant (also known as c.3908A>G), located in coding exon 13 of the ASXL1 gene, results from an A to G substitution at nucleotide position 3908. The lysine at codon 1303 is replaced by arginine, an amino acid with highly similar properties. This amino acid position is conserved. In addition, this alteration is predicted to be tolerated by in silico analysis. Based on the available evidence, the clinical significance of this variant remains unclear.

NM_015338.6(ASXL1):c.3908A>G (p.Lys1303Arg)

Gene: ASXL1 (ASXL transcriptional regulator 1; plus strand). Cytogenetic location: 20q11.21.
Variant type: single nucleotide variant.
Coding change: c.3908A>G on transcript NM_015338.6 (MANE Select); coding-DNA position 3908, A replaced by G.
Protein change: p.Lys1303Arg; replaces lysine 1303 with arginine.
Molecular consequence: missense variant.
Genome position (GRCh38, 1-based): chr20:32,436,620, A>G. VCF-style: chr20-32436620-A-G. GRCh37 (hg19) VCF-style: chr20-31024423-A-G.
Other names: c.3725A>G, p.Lys1242Arg (NM_001363734.1); short protein forms K1303R, K1242R.
Identifiers: ClinVar variation 3956324 (VCV003956324.1).